The following is an entry in ClinVar:

NM_006907.4(PYCR1):c.797+6C>T

Gene: PYCR1 (pyrroline-5-carboxylate reductase 1; minus strand). Cytogenetic location: 17q25.3.
Variant type: single nucleotide variant.
Coding change: c.797+6C>T on transcript NM_006907.4 (MANE Select); 6 bases into the intron after coding-DNA position 797, C replaced by T.
Molecular consequence: intron variant.
Genome position (GRCh38, 1-based): chr17:81,934,320, G>A on the plus strand (C>T on the coding strand, the complement: PYCR1 is on the minus strand). VCF-style: chr17-81934320-G-A. GRCh37 (hg19) VCF-style: chr17-79892196-G-A.
Other names: c.704+6C>T (NM_001282279.2); c.633+333C>T (NM_001330523.2); c.797+6C>T (NM_001282280.2, NM_153824.3); c.878+6C>T (NM_001282281.2).
Identifiers: ClinVar variation 1406395 (VCV001406395.6), dbSNP rs200710730, ClinGen allele CA8845315.
Genomic context (GRCh38, chr17:81,934,320, plus strand): 5'-TGTGTGAGAGAGGCCTCTGCCATGCAAGGACTGGAGACCAGGGAAGCGGGCAGCGCGGGG[G>A]CCCACCGTGTGCGGATGCAGGAGGCCTCCACAGCGTTGATGAGCAGGGAGCGGAAGCCCC-3'

ClinVar aggregate classification (germline): Uncertain significance (1 of 4 stars; one submission).

Allele frequency attached by ClinVar (database versions not stated): gnomAD exomes below 0.00001 and 0.00001; gnomAD 0.00001; ExAC 0.00002; 1000 Genomes Project 0.00040.
gnomAD v4.1: 3 of 1,612,660 alleles (0.00019%); highest among the groups gnomAD compares: Admixed American, 0.005%; no homozygotes.

Submission:

Labcorp Genetics (formerly Invitae), Labcorp
Classification: Uncertain significance. Last evaluated: 2023-05-22. Review status: criteria provided, single submitter. Criteria: Invitae Variant Classification Sherloc (09022015). Collection method: clinical testing. Allele origin: germline.
Comment: This variant has not been reported in the literature in individuals affected with PYCR1-related conditions. In summary, the available evidence is currently insufficient to determine the role of this variant in disease. Therefore, it has been classified as a Variant of Uncertain Significance. Variants that disrupt the consensus splice site are a relatively common cause of aberrant splicing (PMID: 17576681, 9536098). Algorithms developed to predict the effect of sequence changes on RNA splicing suggest that this variant is not likely to affect RNA splicing. ClinVar contains an entry for this variant (Variation ID: 1406395). This variant is not present in population databases (gnomAD no frequency). This sequence change falls in intron 6 of the PYCR1 gene. It does not directly change the encoded amino acid sequence of the PYCR1 protein. It affects a nucleotide within the consensus splice site.

Literature cited by the submitters: PubMed 17576681; PubMed 9536098.